The following is an entry in ClinVar:

ClinVar aggregate classification (germline): Uncertain significance (1 of 4 stars; one submission).

Conditions:
Rhabdoid tumor predisposition syndrome 2 (RTPS2). Identifiers: Orphanet 231108, Orphanet 69077, MedGen C2750074, MONDO:0013224, OMIM 613325.

Submission:

Labcorp Genetics (formerly Invitae), Labcorp
Classification: Uncertain significance for Rhabdoid tumor predisposition syndrome 2. Last evaluated: 2022-06-14. Review status: criteria provided, single submitter. Criteria: Invitae Variant Classification Sherloc (09022015). Collection method: clinical testing. Allele origin: germline.
Comment: This sequence change replaces proline, which is neutral and non-polar, with serine, which is neutral and polar, at codon 50 of the SMARCA4 protein (p.Pro50Ser). This variant is not present in population databases (gnomAD no frequency). This variant has not been reported in the literature in individuals affected with SMARCA4-related conditions. Algorithms developed to predict the effect of missense changes on protein structure and function are either unavailable or do not agree on the potential impact of this missense change (SIFT: "Deleterious"; PolyPhen-2: "Not Available"; Align-GVGD: "Class C65"). In summary, the available evidence is currently insufficient to determine the role of this variant in disease. Therefore, it has been classified as a Variant of Uncertain Significance.

NM_003072.5(SMARCA4):c.148C>T (p.Pro50Ser)

Gene: SMARCA4 (SWI/SNF related BAF chromatin remodeling complex subunit ATPase 4; plus strand). Cytogenetic location: 19p13.2.
Variant type: single nucleotide variant.
Coding change: c.148C>T on transcript NM_003072.5 (MANE Select); coding-DNA position 148, C replaced by T.
Protein change: p.Pro50Ser; replaces proline 50 with serine.
Molecular consequence: missense variant. On other transcripts: non-coding transcript variant (1).
Genome position (GRCh38, 1-based): chr19:10,984,299, C>T. VCF-style: chr19-10984299-C-T. GRCh37 (hg19) VCF-style: chr19-11094975-C-T.
Other names: c.148C>T, p.Pro50Ser (NM_001128844.3, NM_001128845.2, NM_001128846.2 and 6 more transcripts); short protein forms P50S.
Identifiers: ClinVar variation 1948146 (VCV001948146.5), dbSNP rs2145724734, ClinGen allele CA404054467.
Genomic context (GRCh38, chr19:10,984,299, plus strand): 5'-CCTAGCCCGGGTCCCTCGCCGGGCTCCGCCCACAGCATGATGGGGCCCAGCCCAGGGCCG[C>T]CCTCAGCAGGACACCCCATCCCCACCCAGGGGCCTGGAGGGTACCCTCAGGACAACATGC-3'
Protein context (NP_003063.2, residues 40-60): HSMMGPSPGP[Pro50Ser]SAGHPIPTQG